The following is an entry in ClinVar:

NM_006996.3(SLC19A2):c.805C>T (p.Pro269Ser)

Gene: SLC19A2 (solute carrier family 19 member 2; minus strand). Cytogenetic location: 1q24.2.
Variant type: single nucleotide variant.
Coding change: c.805C>T on transcript NM_006996.3 (MANE Select); coding-DNA position 805, C replaced by T.
Protein change: p.Pro269Ser; replaces proline 269 with serine.
Molecular consequence: missense variant. On other transcripts: intron variant (1).
Genome position (GRCh38, 1-based): chr1:169,477,157, G>A on the plus strand (C>T on the coding strand, the complement: SLC19A2 is on the minus strand). VCF-style: chr1-169477157-G-A. GRCh37 (hg19) VCF-style: chr1-169446395-G-A.
Other names: c.205-6971C>T (NM_001319667.1); short protein forms P269S.
Identifiers: ClinVar variation 4084705 (VCV004084705.8).

ClinVar aggregate classification (germline): Uncertain significance (1 of 4 stars; one submission).

gnomAD v4.1: 11 of 1,613,430 alleles (0.00068%); highest among the groups gnomAD compares: Non-Finnish European, 0.00085%; no homozygotes.

Submission:

CeGaT Center for Human Genetics Tuebingen
Classification: Uncertain significance. Last evaluated: 2025-08-01. Review status: criteria provided, single submitter. Criteria: CeGaT Center For Human Genetics Tuebingen Variant Classification Criteria Version 2. Collection method: clinical testing. Allele origin: germline. Affected: yes. Observed: 1 variant allele.
Comment: SLC19A2: PM2, BP4